The following is an entry in ClinVar:

ClinVar aggregate classification (germline): Uncertain significance (1 of 4 stars; one submission).

Conditions:
Hereditary cancer-predisposing syndrome. Also called: Tumor predisposition; Hereditary Cancer Syndrome; Hereditary neoplastic syndrome; Neoplastic Syndromes, Hereditary. Identifiers: Orphanet 140162, MedGen C0027672, MeSH D009386, MONDO:0015356.

gnomAD v4.1: 1 of 1,614,084 alleles (0.000062%); highest among the groups gnomAD compares: Non-Finnish European, 0.000085%; no homozygotes.

Submission:

Ambry Genetics
Classification: Uncertain significance for Hereditary cancer-predisposing syndrome. Last evaluated: 2024-05-08. Review status: criteria provided, single submitter. Criteria: Ambry Variant Classification Scheme 2023. Collection method: clinical testing. Allele origin: germline.
Comment: The p.A1358E variant (also known as c.4073C>A), located in coding exon 15 of the APC gene, results from a C to A substitution at nucleotide position 4073. The alanine at codon 1358 is replaced by glutamic acid, an amino acid with dissimilar properties. This amino acid position is conserved. In addition, in silico predictors for this gene do not accurately predict pathogenicity. Based on the available evidence, the clinical significance of this variant remains unclear.

NM_000038.6(APC):c.4073C>A (p.Ala1358Glu)

Gene: APC (APC regulator of Wnt signaling pathway; plus strand). Cytogenetic location: 5q22.2.
Variant type: single nucleotide variant.
Coding change: c.4073C>A on transcript NM_000038.6 (MANE Select); coding-DNA position 4073, C replaced by A.
Protein change: p.Ala1358Glu; replaces alanine 1358 with glutamic acid.
Molecular consequence: missense variant. On other transcripts: non-coding transcript variant (2).
Genome position (GRCh38, 1-based): chr5:112,839,667, C>A. VCF-style: chr5-112839667-C-A. GRCh37 (hg19) VCF-style: chr5-112175364-C-A.
Other names: c.4073C>A, p.Ala1358Glu (NM_001127510.3, NM_001354895.2, NM_001407450.1); c.4019C>A, p.Ala1340Glu (NM_001127511.3); c.4127C>A, p.Ala1376Glu (NM_001354896.2, NM_001407447.1, NM_001407448.1 and 1 more transcripts); c.4103C>A, p.Ala1368Glu (NM_001354897.2); c.3998C>A, p.Ala1333Glu (NM_001354898.2); c.3989C>A, p.Ala1330Glu (NM_001354899.2); c.3950C>A, p.Ala1317Glu (NM_001354900.2); c.3896C>A, p.Ala1299Glu (NM_001354901.2, NM_001407453.1); and 11 more; short protein forms A1198E, A1267E, A1348E, A1351E, A1358E, A1368E, A974E, A1232E.
Identifiers: ClinVar variation 3305253 (VCV003305253.1).